The following is an entry in ClinVar:

ClinVar aggregate classification (germline): Uncertain significance (1 of 4 stars; one submission).

Submission:

GeneDx
Classification: Uncertain significance. Last evaluated: 2026-01-22. Review status: criteria provided, single submitter. Criteria: GeneDx Variant Classification Process June 2021. Collection method: clinical testing. Allele origin: germline.
Comment: Not observed at significant frequency in large population cohorts (gnomAD); In silico analysis supports that this missense variant has a deleterious effect on protein structure/function; Has not been previously published as pathogenic or benign to our knowledge; Occurs in the triple helical domain at the X position in the canonical Gly-X-Y repeat; although this variant may have an effect on normal protein folding and function, missense substitution at the X position is not a common mechanism of disease (HGMD)

NM_000090.4(COL3A1):c.2216C>T (p.Pro739Leu)

Gene: COL3A1 (collagen type III alpha 1 chain; plus strand). Cytogenetic location: 2q32.2.
Variant type: single nucleotide variant.
Coding change: c.2216C>T on transcript NM_000090.4 (MANE Select); coding-DNA position 2216, C replaced by T.
Protein change: p.Pro739Leu; replaces proline 739 with leucine.
Molecular consequence: missense variant.
Genome position (GRCh38, 1-based): chr2:188,999,564, C>T. VCF-style: chr2-188999564-C-T. GRCh37 (hg19) VCF-style: chr2-189864290-C-T.
Other names: short protein forms P739L.
Identifiers: ClinVar variation 4975418 (VCV004975418.1).